The following is an entry in ClinVar:

NM_145200.5(CABP4):c.46A>G (p.Ile16Val)

Gene: CABP4 (calcium binding protein 4; plus strand). Cytogenetic location: 11q13.2.
Variant type: single nucleotide variant.
Coding change: c.46A>G on transcript NM_145200.5 (MANE Select); coding-DNA position 46, A replaced by G.
Protein change: p.Ile16Val; replaces isoleucine 16 with valine.
Molecular consequence: missense variant. On other transcripts: 5 prime UTR variant (2), non-coding transcript variant (1), intron variant (1).
Genome position (GRCh38, 1-based): chr11:67,455,469, A>G. VCF-style: chr11-67455469-A-G. GRCh37 (hg19) VCF-style: chr11-67222940-A-G.
Other names: c.-338A>G (NM_001300895.3); c.-352A>G (NM_001379183.1); c.-112-240A>G (NM_001300896.3); short protein forms I16V.
Identifiers: ClinVar variation 1009632 (VCV001009632.9), dbSNP rs1864731241, ClinGen allele CA381526545.

ClinVar aggregate classification (germline): Uncertain significance (1 of 4 stars; one submission).

Submission:

Labcorp Genetics (formerly Invitae), Labcorp
Classification: Uncertain significance. Last evaluated: 2020-02-07. Review status: criteria provided, single submitter. Criteria: Invitae Variant Classification Sherloc (09022015). Collection method: clinical testing. Allele origin: germline.
Comment: This variant has not been reported in the literature in individuals with CABP4-related conditions. In summary, the available evidence is currently insufficient to determine the role of this variant in disease. Therefore, it has been classified as a Variant of Uncertain Significance. Algorithms developed to predict the effect of missense changes on protein structure and function (SIFT, PolyPhen-2, Align-GVGD) all suggest that this variant is likely to be tolerated, but these predictions have not been confirmed by published functional studies and their clinical significance is uncertain. This variant is not present in population databases (ExAC no frequency). This sequence change replaces isoleucine with valine at codon 16 of the CABP4 protein (p.Ile16Val). The isoleucine residue is weakly conserved and there is a small physicochemical difference between isoleucine and valine.